The following is an entry in ClinVar:

NM_001204077.2(UBE4A):c.618T>C (p.Thr206=)

Gene: UBE4A (ubiquitination factor E4A; plus strand). Cytogenetic location: 11q23.3.
Variant type: single nucleotide variant.
Coding change: c.618T>C on transcript NM_001204077.2 (MANE Select); coding-DNA position 618, T replaced by C.
Protein change: p.Thr206=; no amino-acid change (threonine 206 retained).
Molecular consequence: synonymous variant.
Genome position (GRCh38, 1-based): chr11:118,372,563, T>C. VCF-style: chr11-118372563-T-C. GRCh37 (hg19) VCF-style: chr11-118243278-T-C.
Other names: c.618T>C, p.Thr206= (NM_004788.4).
Identifiers: ClinVar variation 4085444 (VCV004085444.8).
Genomic context (GRCh38, chr11:118,372,563, plus strand): 5'-GCAGATTACCAAAGTTCCAGAGAACCTGCTACCCTTTGCAGTGCAGTGCAGAAACCTCAC[T>C]GTGTCCAATACCCGAACAGTTCTTCTCACCCCAGAGATCTATGTTGACCAAAACATCCAT-3'
Protein context (NP_001191006.1, residues 196-216): LPFAVQCRNL[Thr206=]VSNTRTVLLT

ClinVar aggregate classification (germline): Likely benign (1 of 4 stars; one submission).

gnomAD v4.1: 4 of 1,613,964 alleles (0.00025%); highest among the groups gnomAD compares: Non-Finnish European, 0.00034%; no homozygotes.

Submission:

CeGaT Center for Human Genetics Tuebingen
Classification: Likely benign. Last evaluated: 2025-07-01. Review status: criteria provided, single submitter. Criteria: CeGaT Center For Human Genetics Tuebingen Variant Classification Criteria Version 2. Collection method: clinical testing. Allele origin: germline. Affected: yes. Observed: 1 variant allele.
Comment: UBE4A: BP4, BP7